The following is an entry in ClinVar:

NM_000388.4(CASR):c.1725T>A (p.Asp575Glu)

Gene: CASR (calcium sensing receptor; plus strand). Cytogenetic location: 3q21.1.
Variant type: single nucleotide variant.
Coding change: c.1725T>A on transcript NM_000388.4 (MANE Select); coding-DNA position 1725, T replaced by A.
Protein change: p.Asp575Glu; replaces aspartic acid 575 with glutamic acid.
Molecular consequence: missense variant.
Genome position (GRCh38, 1-based): chr3:122,282,229, T>A. VCF-style: chr3-122282229-T-A. GRCh37 (hg19) VCF-style: chr3-122001076-T-A.
Other names: c.1755T>A, p.Asp585Glu (NM_001178065.2); short protein forms D575E, D585E.
Identifiers: ClinVar variation 3751706 (VCV003751706.2).

ClinVar aggregate classification (germline): Uncertain significance (1 of 4 stars; one submission).

Conditions:
Autosomal dominant hypocalcemia 1 (HYPOC1). Also called: HYPOCALCEMIA, FAMILIAL. Identifiers: MedGen C3715128, MONDO:0011013, OMIM 601198.
Familial hypocalciuric hypercalcemia (FHH). Also called: Familial benign hypercalcemia. Identifiers: Orphanet 405, MedGen C1809471, MONDO:0018458.

Submission:

Labcorp Genetics (formerly Invitae), Labcorp
Classification: Uncertain significance for Familial hypocalciuric hypercalcemia; Autosomal dominant hypocalcemia 1. Last evaluated: 2024-04-01. Review status: criteria provided, single submitter. Criteria: Invitae Variant Classification Sherloc (09022015). Collection method: clinical testing. Allele origin: germline.
Comment: This sequence change replaces aspartic acid, which is acidic and polar, with glutamic acid, which is acidic and polar, at codon 575 of the CASR protein (p.Asp575Glu). This variant is not present in population databases (gnomAD no frequency). This variant has not been reported in the literature in individuals affected with CASR-related conditions. An algorithm developed to predict the effect of missense changes on protein structure and function (PolyPhen-2) suggests that this variant is likely to be tolerated. In summary, the available evidence is currently insufficient to determine the role of this variant in disease. Therefore, it has been classified as a Variant of Uncertain Significance.